The following is an entry in ClinVar:

ClinVar aggregate classification (germline): Conflicting classifications of pathogenicity. Review status: criteria provided, conflicting classifications (1 of 4 stars). 7 submissions from 7 submitters: Pathogenic (1); Likely pathogenic (1); Uncertain significance (5). Last evaluated 2025-12-14.

Conditions:
IFT140-related disorder. Also called: IFT140-related condition.
IFT140-related disorders.
Saldino-Mainzer syndrome (SRTD9). Also called: SHORT-RIB THORACIC DYSPLASIA 9 WITHOUT POLYDACTYLY; Renal dysplasia, retinal pigmentary dystrophy, cerebellar ataxia and skeletal dysplasia; short-rib thoracic dysplasia 9 with or without polydactyly; CONORENAL SYNDROME. Identifiers: Orphanet 140969, MedGen C1849437, MONDO:0009964, OMIM 266920.
Retinitis pigmentosa 80 (RP80). Identifiers: MedGen C4540439, MONDO:0054708, OMIM 617781.

Allele frequency attached by ClinVar (database versions not stated): gnomAD exomes 0.00002 and 0.00009; gnomAD 0.00004; TOPMed 0.00006.
gnomAD v4.1: 142 of 1,593,404 alleles (0.0089%); highest among the groups gnomAD compares: Non-Finnish European, 0.011%; no homozygotes.

Submissions (7):

Labcorp Genetics (formerly Invitae), Labcorp
Classification: Pathogenic for Saldino-Mainzer syndrome. Last evaluated: 2025-12-14. Review status: criteria provided, single submitter. Criteria: Invitae Variant Classification Sherloc (09022015). Collection method: clinical testing. Allele origin: germline.
Comment: This sequence change falls in intron 8 of the IFT140 gene. It does not directly change the encoded amino acid sequence of the IFT140 protein. This variant is present in population databases (no rsID available, gnomAD 0.004%). This variant has been observed in individuals with inherited retinal dystrophy (PMID: 34906470; internal data). ClinVar contains an entry for this variant (Variation ID: 450986). Algorithms developed to predict the effect of sequence changes on RNA splicing suggest that this variant may disrupt the consensus splice site. For these reasons, this variant has been classified as Pathogenic.

3billion
Classification: Uncertain significance for IFT140-related disorder. Last evaluated: 2025-12-13. Review status: criteria provided, single submitter. Criteria: ACMG Guidelines, 2015. Collection method: clinical testing. Allele origin: germline. Affected: yes.
Comment: The variant is observed at an extremely low frequency in the gnomAD v4.1.0 dataset (total allele frequency: 0.009%). Predicted Consequence/Location: Intron variant In silico tools predict the variant to alter splicing and produce an abnormal transcript [SpliceAI: 0.59 (>=0.2, moderate evidence for spliceogenicity)]. The variant has been reported as of uncertain significance (ClinVar ID: VCV000450986; PMID: 34906470; 3billion dataset). Therefore, this variant is classified as VUS according to the recommendation of ACMG/AMP guideline.

Blueprint Genetics
Classification: Likely pathogenic for IFT140-related disorders. Last evaluated: 2024-07-31. Review status: criteria provided, single submitter. Criteria: ACMG Guidelines, 2015. Collection method: clinical testing. Allele origin: germline. Affected: yes. Observed: 5 variant alleles.

Fulgent Genetics
Classification: Uncertain significance for Saldino-Mainzer syndrome; Retinitis pigmentosa 80. Last evaluated: 2021-07-08. Review status: criteria provided, single submitter. Criteria: ACMG Guidelines, 2015. Collection method: clinical testing. Allele origin: unknown.

Ocular Genomics Institute, Massachusetts Eye and Ear
Classification: Uncertain significance for Retinitis pigmentosa 80. Last evaluated: 2021-04-08. Review status: criteria provided, single submitter. Criteria: ACMG Guidelines, 2015. Collection method: research. Allele origin: germline. Affected: yes.
Comment: Through a review of available evidence we were able to apply the following criteria: PM2, PP3. Based on this evidence we have classified this variant as Variant of Uncertain Significance.

Illumina Laboratory Services, Illumina
Classification: Uncertain significance for Saldino-Mainzer syndrome. Last evaluated: 2018-01-13. Review status: criteria provided, single submitter. Criteria: ICSL Variant Classification Criteria 13 December 2019. Collection method: clinical testing. Allele origin: germline.

GeneDx
Classification: Uncertain significance. Last evaluated: 2017-08-01. Review status: criteria provided, single submitter. Criteria: GeneDx Variant Classification (06012015). Collection method: clinical testing. Allele origin: germline. Affected: yes.
Comment: The c.903-5T>G variant in the IFT140 gene has not been reported previously as a pathogenic variant nor as a benign variant, to our knowledge. This variant is predicted to reduce the quality of the splice acceptor site in intron 8, which may cause abnormal gene splicing; however, in the absence of RNA/functional studies, the actual effect of this sequence change in this individual is unknown. The c.903-5T>G variant is not observed in large population cohorts (Lek et al., 2016; 1000 Genomes Consortium et al., 2015; Exome Variant Server). We interpret c.903-5T>G as a variant of uncertain significance.

Literature cited by the submitters: PubMed 34906470 (cited by Labcorp Genetics (formerly Invitae), Labcorp); PubMed 29068549 (cited by Ocular Genomics Institute, Massachusetts Eye and Ear); PubMed 26216056 (cited by Ocular Genomics Institute, Massachusetts Eye and Ear); PubMed 24009529 (cited by Ocular Genomics Institute, Massachusetts Eye and Ear); PubMed 23418020 (cited by Ocular Genomics Institute, Massachusetts Eye and Ear); PubMed 22503633 (cited by Ocular Genomics Institute, Massachusetts Eye and Ear).

NM_014714.4(IFT140):c.903-5T>G

Genes: IFT140 (intraflagellar transport 140; minus strand), LOC105371046 (uncharacterized LOC105371046; plus strand). Cytogenetic location: 16p13.3.
Variant type: single nucleotide variant.
Coding change: c.903-5T>G on transcript NM_014714.4 (MANE Select); 5 bases into the intron before coding-DNA position 903, T replaced by G.
Molecular consequence: intron variant.
Genome position (GRCh38, 1-based): chr16:1,587,309, A>C on the plus strand (T>G on the coding strand, the complement: IFT140 is on the minus strand). VCF-style: chr16-1587309-A-C. GRCh37 (hg19) VCF-style: chr16-1637310-A-C.
Identifiers: ClinVar variation 450986 (VCV000450986.18), dbSNP rs900599017, ClinGen allele CA276682129.
Genomic context (GRCh38, chr16:1,587,309, plus strand): 5'-CAAACTTCTCATCTGGACTCAGTATATAATTCTCTCCTCGTTCTATGTCCCAGAATCTAC[A>C]ACAGAAGAAAGCAAGCCCCATGGAGGGCCTGTGTTAGTGGCGTTTCCCTCTGAGGGGTTT-3'